The following is an entry in ClinVar:

ClinVar aggregate classification (germline): Uncertain significance (1 of 4 stars; one submission).

Conditions:
Chédiak-Higashi syndrome (CHS). Also called: Chediak-Higashi Syndrome. Identifiers: Orphanet 167, MedGen C0007965, MONDO:0008963, OMIM 214500.

Submission:

Labcorp Genetics (formerly Invitae), Labcorp
Classification: Uncertain significance for Chédiak-Higashi syndrome. Last evaluated: 2023-11-13. Review status: criteria provided, single submitter. Criteria: Invitae Variant Classification Sherloc (09022015). Collection method: clinical testing. Allele origin: germline.
Comment: This sequence change replaces serine, which is neutral and polar, with arginine, which is basic and polar, at codon 284 of the LYST protein (p.Ser284Arg). This variant is not present in population databases (gnomAD no frequency). This variant has not been reported in the literature in individuals affected with LYST-related conditions. ClinVar contains an entry for this variant (Variation ID: 1045853). Advanced modeling of protein sequence and biophysical properties (such as structural, functional, and spatial information, amino acid conservation, physicochemical variation, residue mobility, and thermodynamic stability) performed at Invitae indicates that this missense variant is not expected to disrupt LYST protein function with a negative predictive value of 80%. In summary, the available evidence is currently insufficient to determine the role of this variant in disease. Therefore, it has been classified as a Variant of Uncertain Significance.

NM_000081.4(LYST):c.852T>A (p.Ser284Arg)

Gene: LYST (lysosomal trafficking regulator; minus strand). Cytogenetic location: 1q42.3.
Variant type: single nucleotide variant.
Coding change: c.852T>A on transcript NM_000081.4 (MANE Select); coding-DNA position 852, T replaced by A.
Protein change: p.Ser284Arg; replaces serine 284 with arginine.
Molecular consequence: missense variant.
Genome position (GRCh38, 1-based): chr1:235,809,966, A>T on the plus strand (T>A on the coding strand, the complement: LYST is on the minus strand). VCF-style: chr1-235809966-A-T. GRCh37 (hg19) VCF-style: chr1-235973266-A-T.
Other names: c.852T>A, p.Ser284Arg (NM_001301365.1); short protein forms S284R.
Identifiers: ClinVar variation 1045853 (VCV001045853.8), dbSNP rs2527124269, ClinGen allele CA344963988.
Genomic context (GRCh38, chr1:235,809,966, plus strand): 5'-GTCGCTCAGACTGCAGCAGTCCCCAAAGCCTGCTAGGAATTCAGTTAGTGTGGGCACTAC[A>T]CTGGCTGCTAAAGGAGAATTATGATTCAAGGTAACGTCAAACTTACAAACTTTTTCTAAT-3'
Protein context (NP_000072.2, residues 274-294): TLNHNSPLAA[Ser284Arg]VVPTLTEFLA